The following is an entry in ClinVar:

ClinVar aggregate classification (germline): Uncertain significance. Review status: criteria provided, multiple submitters, no conflicts (2 of 4 stars). 2 submissions from 2 submitters: Uncertain significance (2). Last evaluated 2025-09-29.

Submissions (2):

Ambry Genetics
Classification: Uncertain significance. Last evaluated: 2025-09-29. Review status: criteria provided, single submitter. Criteria: Ambry Variant Classification Scheme 2023. Collection method: clinical testing. Allele origin: germline.
Comment: The p.A620V variant (also known as c.1859C>T), located in coding exon 9 of the ATRIP gene, results from a C to T substitution at nucleotide position 1859. The alanine at codon 620 is replaced by valine, an amino acid with similar properties. This amino acid position is conserved. In addition, this alteration is predicted to be tolerated by in silico analysis. Based on the available evidence, the clinical significance of this variant remains unclear.

Labcorp Genetics (formerly Invitae), Labcorp
Classification: Uncertain significance. Last evaluated: 2022-03-23. Review status: criteria provided, single submitter. Criteria: Invitae Variant Classification Sherloc (09022015). Collection method: clinical testing. Allele origin: germline.
Comment: In summary, the available evidence is currently insufficient to determine the role of this variant in disease. Therefore, it has been classified as a Variant of Uncertain Significance. Algorithms developed to predict the effect of missense changes on protein structure and function output the following: SIFT: "Tolerated"; PolyPhen-2: "Benign"; Align-GVGD: "Class C0". The valine amino acid residue is found in multiple mammalian species, which suggests that this missense change does not adversely affect protein function. This variant has not been reported in the literature in individuals affected with ATRIP-related conditions. This variant is not present in population databases (gnomAD no frequency). This sequence change replaces alanine, which is neutral and non-polar, with valine, which is neutral and non-polar, at codon 620 of the ATRIP protein (p.Ala620Val).

NM_130384.3(ATRIP):c.1859C>T (p.Ala620Val)

Genes: ATRIP (ATR interacting protein; plus strand), ATRIP-TREX1 (ATRIP-TREX1 readthrough; plus strand). Cytogenetic location: 3p21.31.
Variant type: single nucleotide variant.
Coding change: c.1859C>T on transcript NM_130384.3 (MANE Select); coding-DNA position 1859, C replaced by T.
Protein change: p.Ala620Val; replaces alanine 620 with valine.
Molecular consequence: missense variant. On other transcripts: non-coding transcript variant (1).
Genome position (GRCh38, 1-based): chr3:48,463,858, C>T. VCF-style: chr3-48463858-C-T. GRCh37 (hg19) VCF-style: chr3-48505257-C-T.
Other names: c.1478C>T, p.Ala493Val (NM_001271022.2); c.1580C>T, p.Ala527Val (NM_001271023.2); c.1859C>T, p.Ala620Val (NM_032166.4); c.1859C>T (NM_130384.1); short protein forms A493V, A527V, A620V.
Identifiers: ClinVar variation 2115784 (VCV002115784.4), dbSNP rs2530005189, ClinGen allele CA352730148.